The following is an entry in ClinVar:

NM_001042492.3(NF1):c.4304_4305dup (p.Glu1436fs)

Gene: NF1 (neurofibromin 1; plus strand). Cytogenetic location: 17q11.2.
Variant type: Duplication.
Coding change: c.4304_4305dup on transcript NM_001042492.3 (MANE Select); coding-DNA positions 4304 to 4305, 2 bases duplicated (TC; older notation c.4304_4305dupTC).
Protein change: p.Glu1436fs; shifts the reading frame from glutamic acid 1436.
Molecular consequence: frameshift variant.
Genome position (GRCh38, 1-based): chr17:31,258,474-31,258,475, TC duplicated. VCF-style (leftmost placement, unchanged base first): chr17-31258473-A-ATC. GRCh37 (hg19) VCF-style: chr17-29585491-A-ATC.
Other names: c.4241_4242dup, p.Glu1415Serfs (NM_000267.4); short protein forms E1436fs, E1415fs.
Identifiers: ClinVar variation 2032535 (VCV002032535.4), dbSNP rs2508409495, ClinGen allele CA2580092937.

ClinVar aggregate classification (germline): Pathogenic (1 of 4 stars; one submission).

Conditions:
Neurofibromatosis, type 1 (NF1). Also called: VON RECKLINGHAUSEN DISEASE; NEUROFIBROMATOSIS, TYPE I, SOMATIC; Neurofibromatosis, type I; Peripheral type neurofibromatosis. Identifiers: Orphanet 636, MedGen C0027831, MONDO:0018975, OMIM 162200. Disease mechanism: loss of function.

Submission:

Labcorp Genetics (formerly Invitae), Labcorp
Classification: Pathogenic for Neurofibromatosis, type 1. Last evaluated: 2022-09-25. Review status: criteria provided, single submitter. Criteria: Invitae Variant Classification Sherloc (09022015). Collection method: clinical testing. Allele origin: germline.
Comment: For these reasons, this variant has been classified as Pathogenic. This variant has not been reported in the literature in individuals affected with NF1-related conditions. This variant is not present in population databases (gnomAD no frequency). This sequence change creates a premature translational stop signal (p.Glu1415Serfs*5) in the NF1 gene. It is expected to result in an absent or disrupted protein product. Loss-of-function variants in NF1 are known to be pathogenic (PMID: 10712197, 23913538).

Literature cited by the submitters: PubMed 10712197; PubMed 23913538.